The following is an entry in ClinVar:

ClinVar aggregate classification (germline): Pathogenic (1 of 4 stars; one submission).

Submission:

GeneDx
Classification: Pathogenic. Last evaluated: 2017-09-28. Review status: criteria provided, single submitter. Criteria: GeneDx Variant Classification (06012015). Collection method: clinical testing. Allele origin: germline. Affected: yes.
Comment: The c.2715_2722dupCCAGGAAC pathogenic variant in the COL7A1 gene has not been reported previously as a pathogenic variant, nor as a benign variant, to our knowledge. The c.2715_2722dupCCAGGAAC variant causes a frameshift starting with codon Glutamine 908, changes this amino acid to a Proline residue, and creates a premature Stop codon at position 28 of the new reading frame, denoted p.Gln908ProfsX28. This variant is predicted to cause loss of normal protein function either through protein truncation or nonsense-mediated mRNA decay. The c.2715_2722dupCCAGGAAC variant is not observed in large population cohorts (Lek et al., 2016). We interpret c.2715_2722dupCCAGGAAC as a pathogenic variant.

NM_000094.4(COL7A1):c.2715_2722dup (p.Gln908fs)

Gene: COL7A1 (collagen type VII alpha 1 chain; minus strand). Cytogenetic location: 3p21.31.
Variant type: Duplication.
Coding change: c.2715_2722dup on transcript NM_000094.4 (MANE Select); coding-DNA positions 2715 to 2722, 8 bases duplicated (CCAGGAAC; older notation c.2715_2722dupCCAGGAAC).
Protein change: p.Gln908fs; shifts the reading frame from glutamine 908.
Molecular consequence: frameshift variant.
Genome position (GRCh38, 1-based): chr3:48,587,928-48,587,935, GTTCCTGG duplicated on the plus strand (CCAGGAAC on the coding strand, the reverse complement: COL7A1 is on the minus strand). VCF-style (leftmost placement, unchanged base first): chr3-48587927-T-TGTTCCTGG. GRCh37 (hg19) VCF-style: chr3-48625360-T-TGTTCCTGG.
Other names: c.2715_2722dupCCAGGAAC (NM_000094.3); short protein forms Q908fs.
Identifiers: ClinVar variation 452542 (VCV000452542.2), dbSNP rs1553613303, ClinGen allele CA658657293.